The following is an entry in ClinVar:

NM_002437.5(MPV17):c.293C>A (p.Pro98Gln)

Gene: MPV17 (mitochondrial inner membrane protein MPV17; minus strand). Cytogenetic location: 2p23.3.
Variant type: single nucleotide variant.
Coding change: c.293C>A on transcript NM_002437.5 (MANE Select); coding-DNA position 293, C replaced by A.
Protein change: p.Pro98Gln; replaces proline 98 with glutamine.
Molecular consequence: missense variant.
Genome position (GRCh38, 1-based): chr2:27,312,576, G>T on the plus strand (C>A on the coding strand, the complement: MPV17 is on the minus strand). VCF-style: chr2-27312576-G-T. GRCh37 (hg19) VCF-style: chr2-27535443-G-T.
Other names: short protein forms P98Q.
Identifiers: ClinVar variation 2888969 (VCV002888969.3), dbSNP rs267607258, ClinGen allele CA346208269.
Genomic context (GRCh38, chr2:27,312,576, plus strand): 5'-TCCTGGGCTGACAGTCCATTAAGTGCCCCTACCAGTGGGAGAAAGCAGCCTAGAAAACAC[G>T]GGGCAAAGCCCCCCTAGGGAAGAGAAATTAAAGTCCTATGAGTGCTGAAATCCCCACCTA-3'
Protein context (NP_002428.1, residues 88-108): KMLLDQGGFA[Pro98Gln]CFLGCFLPLV

ClinVar aggregate classification (germline): Likely pathogenic (1 of 4 stars; one submission).

gnomAD v4.1: 2 of 1,613,968 alleles (0.00012%); highest among the groups gnomAD compares: African/African-American, 0.0027%; no homozygotes.

Submission:

Labcorp Genetics (formerly Invitae), Labcorp
Classification: Likely pathogenic. Last evaluated: 2023-09-06. Review status: criteria provided, single submitter. Criteria: Invitae Variant Classification Sherloc (09022015). Collection method: clinical testing. Allele origin: germline.
Comment: In summary, the currently available evidence indicates that the variant is pathogenic, but additional data are needed to prove that conclusively. Therefore, this variant has been classified as Likely Pathogenic. This variant disrupts the p.Pro98 amino acid residue in MPV17. Other variant(s) that disrupt this residue have been determined to be pathogenic (PMID: 20074988, 22508010, 23714749, 25129007, 25861990, 27536553). This suggests that this residue is clinically significant, and that variants that disrupt this residue are likely to be disease-causing. Advanced modeling of protein sequence and biophysical properties (such as structural, functional, and spatial information, amino acid conservation, physicochemical variation, residue mobility, and thermodynamic stability) performed at Invitae indicates that this missense variant is expected to disrupt MPV17 protein function. This variant has not been reported in the literature in individuals affected with MPV17-related conditions. This variant is present in population databases (no rsID available, gnomAD 0.01%). This sequence change replaces proline, which is neutral and non-polar, with glutamine, which is neutral and polar, at codon 98 of the MPV17 protein (p.Pro98Gln).

Literature cited by the submitters: PubMed 20074988; PubMed 22508010; PubMed 23714749; PubMed 25129007; PubMed 25861990; PubMed 27536553.